The following is an entry in ClinVar:

NM_014339.7(IL17RA):c.796G>A (p.Val266Ile)

Gene: IL17RA (interleukin 17 receptor A; plus strand). Cytogenetic location: 22q11.1.
Variant type: single nucleotide variant.
Coding change: c.796G>A on transcript NM_014339.7 (MANE Select); coding-DNA position 796, G replaced by A.
Protein change: p.Val266Ile; replaces valine 266 with isoleucine.
Molecular consequence: missense variant.
Genome position (GRCh38, 1-based): chr22:17,103,527, G>A. VCF-style: chr22-17103527-G-A. GRCh37 (hg19) VCF-style: chr22-17584417-G-A.
Other names: c.796G>A, p.Val266Ile (NM_001289905.2); short protein forms V266I.
Identifiers: ClinVar variation 1415102 (VCV001415102.8), dbSNP rs112267700, ClinGen allele CA10086493.
Genomic context (GRCh38, chr22:17,103,527, plus strand): 5'-CTTACCCATCCTCGCCTCTCTCCTCAGCCCAGACCAGAAGAGTTCCACCAGCGATCCAAC[G>A]TCACACTCACTCTACGCAACCTTAAAGGGTGCTGTCGCCACCAAGTGCAGGTGGGTGAGT-3'
Protein context (NP_055154.3, residues 256-276): RPEEFHQRSN[Val266Ile]TLTLRNLKGC

ClinVar aggregate classification (germline): Uncertain significance (1 of 4 stars; one submission).

Conditions:
Immunodeficiency 51 (IMD51). Also called: CANDIDIASIS, FAMILIAL, 5. Identifiers: Orphanet 1334, MedGen C4310803, MONDO:0013500, OMIM 613953.

Allele frequency attached by ClinVar (database versions not stated): gnomAD 0.00001; gnomAD exomes 0.00001 and 0.00004; TOPMed 0.00001; ExAC 0.00004.
gnomAD v4.1: 19 of 1,613,568 alleles (0.0012%); highest among the groups gnomAD compares: South Asian, 0.0044%; no homozygotes.

Submission:

Labcorp Genetics (formerly Invitae), Labcorp
Classification: Uncertain significance for Immunodeficiency 51. Last evaluated: 2024-02-24. Review status: criteria provided, single submitter. Criteria: Invitae Variant Classification Sherloc (09022015). Collection method: clinical testing. Allele origin: germline.
Comment: This sequence change replaces valine, which is neutral and non-polar, with isoleucine, which is neutral and non-polar, at codon 266 of the IL17RA protein (p.Val266Ile). This variant is present in population databases (rs112267700, gnomAD 0.007%). This variant has not been reported in the literature in individuals affected with IL17RA-related conditions. ClinVar contains an entry for this variant (Variation ID: 1415102). Advanced modeling of protein sequence and biophysical properties (such as structural, functional, and spatial information, amino acid conservation, physicochemical variation, residue mobility, and thermodynamic stability) performed at Invitae indicates that this missense variant is not expected to disrupt IL17RA protein function with a negative predictive value of 80%. In summary, the available evidence is currently insufficient to determine the role of this variant in disease. Therefore, it has been classified as a Variant of Uncertain Significance.